The following is an entry in ClinVar:

ClinVar aggregate classification (germline): Uncertain significance (1 of 4 stars; one submission).

Allele frequency attached by ClinVar (database versions not stated): gnomAD exomes below 0.00001; gnomAD 0.00001.
gnomAD v4.1: 7 of 1,560,246 alleles (0.00045%); highest among the groups gnomAD compares: South Asian, 0.0012%; no homozygotes.

Submission:

Labcorp Genetics (formerly Invitae), Labcorp
Classification: Uncertain significance. Last evaluated: 2023-09-08. Review status: criteria provided, single submitter. Criteria: Invitae Variant Classification Sherloc (09022015). Collection method: clinical testing. Allele origin: germline.
Comment: In summary, the available evidence is currently insufficient to determine the role of this variant in disease. Therefore, it has been classified as a Variant of Uncertain Significance. Advanced modeling of protein sequence and biophysical properties (such as structural, functional, and spatial information, amino acid conservation, physicochemical variation, residue mobility, and thermodynamic stability) has been performed at Invitae for this missense variant, however the output from this modeling did not meet the statistical confidence thresholds required to predict the impact of this variant on COL4A2 protein function. This variant has not been reported in the literature in individuals affected with COL4A2-related conditions. The frequency data for this variant in the population databases is considered unreliable, as metrics indicate poor data quality at this position in the gnomAD database. This sequence change replaces glycine, which is neutral and non-polar, with arginine, which is basic and polar, at codon 800 of the COL4A2 protein (p.Gly800Arg).

NM_001846.4(COL4A2):c.2398G>A (p.Gly800Arg)

Gene: COL4A2 (collagen type IV alpha 2 chain; plus strand). Cytogenetic location: 13q34.
Variant type: single nucleotide variant.
Coding change: c.2398G>A on transcript NM_001846.4 (MANE Select); coding-DNA position 2398, G replaced by A.
Protein change: p.Gly800Arg; replaces glycine 800 with arginine.
Molecular consequence: missense variant.
Genome position (GRCh38, 1-based): chr13:110,473,123, G>A. VCF-style: chr13-110473123-G-A. GRCh37 (hg19) VCF-style: chr13-111125470-G-A.
Other names: short protein forms G800R.
Identifiers: ClinVar variation 3006888 (VCV003006888.3), dbSNP rs867981304, ClinGen allele CA388742671.